The following is an entry in ClinVar:

Conditions:
Breast-ovarian cancer, familial, susceptibility to, 1 (BROVCA1). Also called: BRCA1 Hereditary Breast and Ovarian Cancer; OVARIAN CANCER, SUSCEPTIBILITY TO. Identifiers: Orphanet 145, MedGen C2676676, MONDO:0011450, OMIM 604370. Disease mechanism: loss of function.

Submission:

Brotman Baty Institute, University of Washington
No classification provided (evidence only). Condition: Breast-ovarian cancer, familial 1. Review status: no classification provided. Collection method: in vitro. Allele origin: not applicable. Functional consequence: functionally_abnormal.
ClinVar note: "not provided" was previously submitted as the classification for the variant. However, the classification appeared to be based only on an observation of functional data so it was converted to no classification on 2025-07-30.

NM_007294.4(BRCA1):c.218T>A (p.Leu73Gln)

Gene: BRCA1 (BRCA1 DNA repair associated; minus strand). Cytogenetic location: 17q21.31.
Variant type: single nucleotide variant.
Coding change: c.218T>A on transcript NM_007294.4 (MANE Select); coding-DNA position 218, T replaced by A.
Protein change: p.Leu73Gln; replaces leucine 73 with glutamine.
Molecular consequence: missense variant. On other transcripts: non-coding transcript variant (1).
Genome position (GRCh38, 1-based): chr17:43,104,951, A>T on the plus strand (T>A on the coding strand, the complement: BRCA1 is on the minus strand). VCF-style: chr17-43104951-A-T. GRCh37 (hg19) VCF-style: chr17-41256968-A-T.
Other names: c.77T>A, p.Leu26Gln (NM_001407843.1, NM_001407844.1, NM_001407845.1 and 99 more transcripts); c.8T>A, p.Leu3Gln (NM_001407853.1, NM_001407879.1, NM_001407881.1 and 58 more transcripts); c.218T>A, p.Leu73Gln (NM_001407854.1, NM_001407858.1, NM_001407859.1 and 168 more transcripts); c.140T>A, p.Leu47Gln (NM_001407862.1, NM_001407874.1, NM_001407875.1 and 21 more transcripts); c.-164T>A (NM_001407959.1, NM_001407960.1, NM_001407962.1 and 4 more transcripts); c.86T>A, p.Leu29Gln (NM_001408451.1); short protein forms L26Q, L73Q, L29Q, L3Q, L47Q.
Identifiers: ClinVar variation 865289 (VCV000865289.3), dbSNP rs2054697650, ClinGen allele CA10601727.
Genomic context (GRCh38, chr17:43,104,951, plus strand): 5'-AAAGCACAAATGATTTTCAATAGCTCTTCAACAAGTTGACTAAATCTCGTACTTTCTTGT[A>T]GGCTCCTGAAATTAAATTGTTTGAGAAACACACTCAGCAAGTGATTATCAACCTTTTAAG-3'
Protein context (NP_009225.1, residues 63-83): LCKNDITKRS[Leu73Gln]QESTRFSQLV